The following is an entry in ClinVar:

NM_001163435.3(TBCK):c.831_832insTA (p.Pro278fs)

Gene: TBCK (TBC1 domain containing kinase; minus strand). Cytogenetic location: 4q24.
Variant type: Insertion.
Coding change: c.831_832insTA on transcript NM_001163435.3 (MANE Select); coding-DNA positions 831 to 832, TA inserted.
Protein change: p.Pro278fs; shifts the reading frame from proline 278.
Molecular consequence: frameshift variant.
Genome position: GRCh38 VCF-style: chr4-106247238-G-GTA. GRCh37 (hg19) VCF-style: chr4-107168395-G-GTA.
Other names: c.831_832insTA, p.Pro278fs (NM_001163436.4); c.714_715insTA, p.Pro239fs (NM_001163437.3); c.315_316insTA, p.Pro106fs (NM_001290768.2); c.642_643insTA, p.Pro215fs (NM_033115.5); short protein forms P239fs, P106fs, P278fs, P215fs.
Identifiers: ClinVar variation 225238 (VCV000225238.2), dbSNP rs869320769, ClinGen allele CA358273.

ClinVar aggregate classification (germline): Pathogenic. Review status: criteria provided, single submitter (1 of 4 stars). 2 submissions from 2 submitters: Pathogenic (1). 1 of the submissions does not count toward it. Last evaluated 2016-09-13.

Conditions:
Hypotonia, infantile, with psychomotor retardation and characteristic facies 3 (IHPRF3). Also called: TBCK-Related Neurodevelopmental Disorder. Identifiers: Orphanet 488632, MedGen C5567480, MONDO:0014823, OMIM 616900.

Submissions (2):

Women's Health and Genetics/Laboratory Corporation of America, LabCorp
Classification: Pathogenic for Hypotonia, infantile, with psychomotor retardation and characteristic facies 3. Last evaluated: 2016-09-13. Review status: criteria provided, single submitter. Criteria: LabCorp Variant Classification Summary - May 2015. Collection method: clinical testing. Allele origin: germline.
Comment: Variant summary: The c.831_832insTA (p.Pro278Tyrfs) also known as c.642_643insTA (NM_033115.3) variant in TBCK gene is a frameshift change predicted to cause loss of normal protein function through protein truncation or nonsense-mediated mRNA decay. The variant is absent from the large control population dataset of ExAC. The variant of interest has been reported in 1 affected individual in the literature and was cited as Pathogenic by reputable database/diagnostic center. In addition, in functional studies, cells from homozygous individual demonstrated reduced phosphorylation of the Ser235/ 236 isoform of PS6, suggesting that reduced mTOR signaling is a pathogenic mechanism. Taken together, the variant was classified as Pathogenic.

OMIM
Classification: Pathogenic for HYPOTONIA, INFANTILE, WITH PSYCHOMOTOR RETARDATION AND CHARACTERISTIC FACIES 3. Last evaluated: 2016-05-19. Review status: no assertion criteria provided. Collection method: literature only. Allele origin: germline. Not counted in ClinVar's aggregate classification.

Literature cited by the submitters: PubMed 27040691 (cited by Women's Health and Genetics/Laboratory Corporation of America, LabCorp and OMIM).